The following is an entry in ClinVar:

NM_001267550.2(TTN):c.11311+1548A>G

Gene: TTN (titin; minus strand). Cytogenetic location: 2q31.2.
Variant type: single nucleotide variant.
Coding change: c.11311+1548A>G on transcript NM_001267550.2 (MANE Select); 1548 bases into the intron after coding-DNA position 11311, A replaced by G.
Molecular consequence: intron variant. On other transcripts: synonymous variant (1).
Genome position (GRCh38, 1-based): chr2:178,751,576, T>C on the plus strand (A>G on the coding strand, the complement: TTN is on the minus strand). VCF-style: chr2-178751576-T-C. GRCh37 (hg19) VCF-style: chr2-179616303-T-C.
Other names: c.10824A>G, p.Glu3608= (NM_133379.5); c.10222+1548A>G (NM_003319.4); c.10798+1548A>G (NM_133437.4); c.10597+1548A>G (NM_133432.3); c.10360+1548A>G (NM_133378.4, NM_001256850.1).
Identifiers: ClinVar variation 4076478 (VCV004076478.2), dbSNP rs749466558.

ClinVar aggregate classification (germline): Likely benign. Review status: criteria provided, multiple submitters, no conflicts (2 of 4 stars). 2 submissions from 2 submitters: Likely benign (2). Last evaluated 2025-07-24.

gnomAD v4.1: 17 of 1,613,058 alleles (0.0011%); highest among the groups gnomAD compares: Non-Finnish European, 0.0014%; no homozygotes.

Submissions (2):

Molecular Diagnostic Laboratory for Inherited Cardiovascular Disease, Montreal Heart Institute
Classification: Likely benign. Last evaluated: 2025-07-24. Review status: criteria provided, single submitter. Criteria: ACMG Guidelines, 2015. Collection method: clinical testing. Allele origin: germline. Affected: no.
Comment: BP7

Blueprint Genetics
Classification: Likely benign. Last evaluated: 2023-04-20. Review status: criteria provided, single submitter. Criteria: ACMG Guidelines, 2015. Collection method: clinical testing. Allele origin: germline.